The following is an entry in ClinVar:

ClinVar aggregate classification (germline): Conflicting classifications of pathogenicity. Review status: criteria provided, conflicting classifications (1 of 4 stars). 13 submissions from 13 submitters: Uncertain significance (1); Benign (2); Likely benign (7). 3 of the submissions do not count toward it. Last evaluated 2026-01-27.

Conditions:
Inborn genetic diseases. Identifiers: MedGen C0950123, MeSH D030342.
NDRG1-related disorder. Also called: NDRG1-related condition.
Charcot-Marie-Tooth disease. Also called: Charcot-Marie-Tooth Neuropathy; Charcot-Marie-Tooth Hereditary Neuropathy. Identifiers: Orphanet 166, MedGen C0007959, MONDO:0015626.
Charcot-Marie-Tooth disease type 4. Also called: Charcot-Marie-Tooth disease, type IV; Charcot-Marie-Tooth, Type 4. Identifiers: Orphanet 64749, MedGen C4082197, MONDO:0018995.
Charcot-Marie-Tooth disease type 4D. Also called: NEUROPATHY, HEREDITARY MOTOR AND SENSORY, LOM TYPE; CHARCOT-MARIE-TOOTH DISEASE, DEMYELINATING, TYPE 4D; Charcot-Marie-Tooth Neuropathy Type 4D; CHARCOT-MARIE-TOOTH DISEASE, DEMYELINATING, AUTOSOMAL RECESSIVE, TYPE 4D. Identifiers: Orphanet 99950, MedGen C1832334, MONDO:0011085, OMIM 601455.

Allele frequency attached by ClinVar (database versions not stated): ExAC 0.00092; 1000 Genomes Project 30x 0.00094; gnomAD exomes 0.00096 and 0.00154; gnomAD 0.00101 and 0.00102; TOPMed 0.00114; 1000 Genomes Project 0.00120; ESP Exome Variant Server 0.00200.

Submissions (13):

Labcorp Genetics (formerly Invitae), Labcorp
Classification: Likely benign for Charcot-Marie-Tooth disease type 4. Last evaluated: 2026-01-27. Review status: criteria provided, single submitter. Criteria: Invitae Variant Classification Sherloc (09022015). Collection method: clinical testing. Allele origin: germline.

CeGaT Center for Human Genetics Tuebingen
Classification: Likely benign. Last evaluated: 2025-11-01. Review status: criteria provided, single submitter. Criteria: CeGaT Center For Human Genetics Tuebingen Variant Classification Criteria Version 2. Collection method: clinical testing. Allele origin: germline. Affected: yes. Observed: 2 variant alleles.
Comment: NDRG1: BP4, BP7

Women's Health and Genetics/Laboratory Corporation of America, LabCorp
Classification: Likely benign. Last evaluated: 2024-11-26. Review status: criteria provided, single submitter. Criteria: LabCorp Variant Classification Summary - May 2015. Collection method: clinical testing. Allele origin: germline.

Blueprint Genetics
Classification: Likely benign. Last evaluated: 2024-11-20. Review status: criteria provided, single submitter. Criteria: ACMG Guidelines, 2015. Collection method: clinical testing. Allele origin: germline.

Ambry Genetics
Classification: Likely benign for Inborn genetic diseases. Last evaluated: 2024-11-09. Review status: criteria provided, single submitter. Criteria: Ambry Variant Classification Scheme 2023. Collection method: clinical testing. Allele origin: germline.

ARUP Laboratories, Molecular Genetics and Genomics, ARUP Laboratories
Classification: Likely benign for Charcot-Marie-Tooth disease type 4D. Last evaluated: 2019-09-17. Review status: criteria provided, single submitter. Criteria: ARUP Molecular Germline Variant Investigation Process. Collection method: clinical testing. Allele origin: germline.

Athena Diagnostics
Classification: Benign. Last evaluated: 2018-05-29. Review status: criteria provided, single submitter. Criteria: Athena Diagnostics Criteria. Collection method: clinical testing. Allele origin: germline.

Illumina Laboratory Services, Illumina
Classification: Uncertain significance for Charcot-Marie-Tooth disease type 4D. Last evaluated: 2018-01-13. Review status: criteria provided, single submitter. Criteria: ICSL Variant Classification Criteria 13 December 2019. Collection method: clinical testing. Allele origin: germline.

GeneDx
Classification: Benign. Last evaluated: 2015-07-31. Review status: criteria provided, single submitter. Criteria: GeneDx Variant Classification (06012015). Collection method: clinical testing. Allele origin: germline. Affected: yes.
Comment: This variant is considered likely benign or benign based on one or more of the following criteria: it is a conservative change, it occurs at a poorly conserved position in the protein, it is predicted to be benign by multiple in silico algorithms, and/or has population frequency not consistent with disease.

Molecular Genetics Laboratory, London Health Sciences Centre
Classification: Likely benign for Charcot-Marie-Tooth disease. Review status: criteria provided, single submitter. Criteria: ACMG Guidelines, 2015. Collection method: clinical testing. Allele origin: germline. Affected: yes.

PreventionGenetics, part of Exact Sciences
Classification: Likely benign for NDRG1-related condition. Last evaluated: 2020-02-21. Review status: no assertion criteria provided. Collection method: clinical testing. Allele origin: germline. Not counted in ClinVar's aggregate classification.
Comment: This variant is classified as likely benign based on ACMG/AMP sequence variant interpretation guidelines (Richards et al. 2015 PMID: 25741868, with internal and published modifications).

Clinical Genetics, Academic Medical Center
Classification: Likely benign. Review status: no assertion criteria provided. Collection method: clinical testing. Allele origin: germline. Affected: yes. Study: VKGL Data-share Consensus. Not counted in ClinVar's aggregate classification.

Genome Diagnostics Laboratory, University Medical Center Utrecht
Classification: Likely benign. Review status: no assertion criteria provided. Collection method: clinical testing. Allele origin: germline. Affected: yes. Study: VKGL Data-share Consensus. Not counted in ClinVar's aggregate classification.

NM_006096.4(NDRG1):c.789G>A (p.Ser263=)

Genes: NDRG1 (N-myc downstream regulated 1; minus strand), LOC126860531 (CDK7 strongly-dependent group 2 enhancer GRCh37_chr8:134259869-134261068; plus strand). Cytogenetic location: 8q24.22.
Variant type: single nucleotide variant.
Coding change: c.789G>A on transcript NM_006096.4 (MANE Select); coding-DNA position 789, G replaced by A.
Protein change: p.Ser263=; no amino-acid change (serine 263 retained).
Molecular consequence: synonymous variant.
Genome position (GRCh38, 1-based): chr8:133,247,893, C>T on the plus strand (G>A on the coding strand, the complement: NDRG1 is on the minus strand). VCF-style: chr8-133247893-C-T. GRCh37 (hg19) VCF-style: chr8-134260136-C-T.
Other names: c.789G>A, p.Ser263= (NM_001135242.2, NM_001374845.1, NM_001374846.1); c.591G>A, p.Ser197= (NM_001258432.2, NM_001374847.1); c.546G>A, p.Ser182= (NM_001258433.2); c.840G>A, p.Ser280= (NM_001374844.1).
Identifiers: ClinVar variation 379907 (VCV000379907.45), dbSNP rs61755062, ClinGen allele CA4886586.
Genomic context (GRCh38, chr8:133,247,893, plus strand): 5'-CTGTTGAATTAAACACAGAAATCAGCTGTGATTTCTACATACCACGGCATCCACTGCAGG[C>T]GAGCTGTCCCCAACCACCAACAGAGCAGGGCACCTGGGGTCAGGGATAGAGCAGAGAATT-3'
Protein context (NP_006087.2, residues 253-273): CPALLVVGDS[Ser263=]PAVDAVVECN